The following is an entry in ClinVar:

NM_000426.4(LAMA2):c.1751G>A (p.Trp584Ter)

Gene: LAMA2 (laminin subunit alpha 2; plus strand). Cytogenetic location: 6q22.33.
Variant type: single nucleotide variant.
Coding change: c.1751G>A on transcript NM_000426.4 (MANE Select); coding-DNA position 1751, G replaced by A.
Protein change: p.Trp584Ter; replaces tryptophan 584 with a stop codon.
Molecular consequence: nonsense.
Genome position (GRCh38, 1-based): chr6:129,192,822, G>A. VCF-style: chr6-129192822-G-A. GRCh37 (hg19) VCF-style: chr6-129513967-G-A.
Other names: c.1751G>A, p.Trp584Ter (NM_001079823.2); short protein forms W584*.
Identifiers: ClinVar variation 5015101 (VCV005015101.1).

ClinVar aggregate classification (germline): Pathogenic (1 of 4 stars; one submission).

Conditions:
LAMA2-related muscular dystrophy (LAMA2-RD). Also called: Laminin alpha 2-related dystrophy. Identifiers: MedGen C5679788, MONDO:0100228.

Submission:

Myriad Genetics, Inc.
Classification: Pathogenic for LAMA2-related muscular dystrophy. Last evaluated: 2025-10-18. Review status: criteria provided, single submitter. Criteria: Myriad Autosomal Dominant, Autosomal Recessive and X-Linked Classification Criteria (2023). Collection method: clinical testing. Allele origin: unknown.
Comment: NM_000426.3(LAMA2):c.1751G>A(W584*) is expected to be pathogenic in the context of muscular dystrophy, LAMA2-related. This variant is predicted to lead to an abnormal or absent protein product due to the creation of a premature termination codon in LAMA2, a gene where loss-of-function variants are known to be pathogenic. Please note: this variant was assessed in the context of healthy population screening.